The following is an entry in ClinVar:

NM_000202.8(IDS):c.683C>T (p.Pro228Leu)

Genes: IDS (iduronate 2-sulfatase; minus strand), LOC106050102 (IDS recombination region; plus strand). Cytogenetic location: Xq28.
Variant type: single nucleotide variant.
Coding change: c.683C>T on transcript NM_000202.8 (MANE Select); coding-DNA position 683, C replaced by T.
Protein change: p.Pro228Leu; replaces proline 228 with leucine.
Molecular consequence: missense variant. On other transcripts: non-coding transcript variant (1).
Genome position (GRCh38, 1-based): chrX:149,498,132, G>A on the plus strand (C>T on the coding strand, the complement: IDS is on the minus strand). VCF-style: chrX-149498132-G-A. GRCh37 (hg19) VCF-style: chrX-148579663-G-A.
Other names: c.413C>T, p.Pro138Leu (NM_001166550.4); c.683C>T, p.Pro228Leu (NM_006123.5); short protein forms P138L, P228L.
Identifiers: ClinVar variation 996561 (VCV000996561.7), dbSNP rs113993945, ClinGen allele CA414522180.
Genomic context (GRCh38, chrX:149,498,132, plus strand): 5'-AGCTGTGCTGGATCAGCCCTCAACCAGCTCTTCACCTTGGGGTATCTGAAGGGGATGTGT[G>A]GCTTATGATACCCAACGGCCAGGAAGAAAGGACTGGCTGACGTTTTCATCTTTTCCAACA-3'
Protein context (NP_000193.1, residues 218-238): PFFLAVGYHK[Pro228Leu]HIPFRYPKEF

ClinVar aggregate classification (germline): Pathogenic/Likely pathogenic. Review status: criteria provided, multiple submitters, no conflicts (2 of 4 stars). 4 submissions from 4 submitters: Pathogenic (2); Likely pathogenic (2). Last evaluated 2025-08-26.

Conditions:
Mucopolysaccharidosis, MPS-II (MPS2). Also called: Mucopolysaccharidosis type 2; Hunter Syndrome; IDURONATE 2-SULFATASE DEFICIENCY; Mucopolysaccharidosis Type II; IDS deficiency; Sulfoiduronate sulfatase deficiency. Identifiers: Orphanet 580, Orphanet 79388, MedGen C0026705, MONDO:0010674, OMIM 309900.

Submissions (4):

Labcorp Genetics (formerly Invitae), Labcorp
Classification: Pathogenic for Mucopolysaccharidosis, MPS-II. Last evaluated: 2025-08-26. Review status: criteria provided, single submitter. Criteria: Invitae Variant Classification Sherloc (09022015). Collection method: clinical testing. Allele origin: germline.
Comment: This sequence change replaces proline, which is neutral and non-polar, with leucine, which is neutral and non-polar, at codon 228 of the IDS protein (p.Pro228Leu). This variant is not present in population databases (gnomAD no frequency). This missense change has been observed in individual(s) with mucopolysaccharidosis type II (PMID: 9875019, 31877959, 35144014). ClinVar contains an entry for this variant (Variation ID: 996561). Invitae Evidence Modeling of protein sequence and biophysical properties (such as structural, functional, and spatial information, amino acid conservation, physicochemical variation, residue mobility, and thermodynamic stability) indicates that this missense variant is expected to disrupt IDS protein function with a positive predictive value of 95%. For these reasons, this variant has been classified as Pathogenic.

Laboratory of Diagnosis and Therapy of Lysosomal Disorders, University of Padova
Classification: Likely pathogenic for Mucopolysaccharidosis, MPS-II. Last evaluated: 2024-06-07. Review status: criteria provided, single submitter. Criteria: ACMG Guidelines, 2015. Collection method: literature only. Allele origin: germline. Affected: yes. Observed: 4 variant alleles.
Comment: In vitro or in vivo functional studies supportive of a damaging effect (PS3_Moderate), Absent from controls (or at low frequency) in gnomAD database (PM2_Moderate), Missense variant in a gene with a low rate of benign missense variation (PP2_Supporting), Multiple lines of computational evidence support a deleterious effect (PP3_Supporting), Patient’s phenotype or family history highly specific for the disease (PP4_Moderate)

Classification method: ACMG Guidelines [PMID:25741868] with modifications

Revvity Omics, Revvity
Classification: Likely pathogenic for Mucopolysaccharidosis, MPS-II. Last evaluated: 2022-03-28. Review status: criteria provided, single submitter. Criteria: ACMG Guidelines, 2015. Collection method: clinical testing. Allele origin: germline.

Department of Medical Genetics, Sanjay Gandhi Post Graduate Institute of Medical Sciences
Classification: Pathogenic for Mucopolysaccharidosis, MPS-II. Review status: criteria provided, single submitter. Criteria: ACMG Guidelines, 2015. Collection method: clinical testing. Allele origin: maternal. Inheritance: X-linked recessive inheritance. Affected: yes. Observed: 1 variant allele, 1 hemizygote.

Literature cited by the submitters: PubMed 9875019 (cited by Labcorp Genetics (formerly Invitae), Labcorp and Laboratory of Diagnosis and Therapy of Lysosomal Disorders, University of Padova); PubMed 31877959 (cited by Labcorp Genetics (formerly Invitae), Labcorp and Laboratory of Diagnosis and Therapy of Lysosomal Disorders, University of Padova); PubMed 35144014 (cited by Labcorp Genetics (formerly Invitae), Labcorp and Laboratory of Diagnosis and Therapy of Lysosomal Disorders, University of Padova); PubMed 16480701 (cited by Laboratory of Diagnosis and Therapy of Lysosomal Disorders, University of Padova); PubMed 9762601 (cited by Department of Medical Genetics, Sanjay Gandhi Post Graduate Institute of Medical Sciences).